The following is an entry in ClinVar:

NM_000179.3(MSH6):c.3580T>C (p.Leu1194=)

Gene: MSH6 (mutS homolog 6; plus strand). Cytogenetic location: 2p16.3.
Variant type: single nucleotide variant.
Coding change: c.3580T>C on transcript NM_000179.3 (MANE Select); coding-DNA position 3580, T replaced by C.
Protein change: p.Leu1194=; no amino-acid change (leucine 1194 retained).
Molecular consequence: synonymous variant.
Genome position (GRCh38, 1-based): chr2:47,805,641, T>C. VCF-style: chr2-47805641-T-C. GRCh37 (hg19) VCF-style: chr2-48032780-T-C.
Other names: c.3190T>C, p.Leu1064= (NM_001281492.2); c.2674T>C, p.Leu892= (NM_001281493.2, NM_001281494.2).
Identifiers: ClinVar variation 428426 (VCV000428426.15), dbSNP rs1114167787, ClinGen allele CA425997269.
Genomic context (GRCh38, chr2:47,805,641, plus strand): 5'-AAAATGAGTATTCATTTGTGATTTTTTTTTTTTTAAGGTGAAAGTACATTTTTTGTTGAA[T>C]TAAGTGAAACTGCCAGCATACTCATGCATGCAACAGCACATTCTCTGGTGCTTGTGGATG-3'
Protein context (NP_000170.1, residues 1184-1204): MSGESTFFVE[Leu1194=]SETASILMHA

ClinVar aggregate classification (germline): Benign/Likely benign. Review status: criteria provided, multiple submitters, no conflicts (2 of 4 stars). 3 submissions from 3 submitters: Benign (1); Likely benign (2). Last evaluated 2025-01-07.

Conditions:
Hereditary cancer-predisposing syndrome. Also called: Hereditary Cancer Syndrome; Neoplastic Syndromes, Hereditary; Hereditary neoplastic syndrome; Tumor predisposition. Identifiers: Orphanet 140162, MedGen C0027672, MeSH D009386, MONDO:0015356.
Lynch syndrome 5 (LYNCH5). Also called: Hereditary non-polyposis colorectal cancer, type 5; Colorectal cancer, hereditary nonpolyposis, type 5. Identifiers: Orphanet 144, MedGen C1833477, MONDO:0013710, OMIM 614350. Disease mechanism: loss of function.
Hereditary nonpolyposis colorectal neoplasms. Identifiers: MedGen C0009405, MeSH D003123.

gnomAD v4.1: 1 of 1,613,348 alleles (0.000062%); no homozygotes.

Submissions (3):

Myriad Genetics, Inc.
Classification: Benign for Lynch syndrome 5. Last evaluated: 2025-01-07. Review status: criteria provided, single submitter. Criteria: Myriad Autosomal Dominant, Autosomal Recessive and X-Linked Classification Criteria (2023). Collection method: clinical testing. Allele origin: unknown.
Comment: This variant is considered benign. This variant is a silent/synonymous amino acid change and it is not expected to impact splicing.

Labcorp Genetics (formerly Invitae), Labcorp
Classification: Likely benign for Hereditary nonpolyposis colorectal neoplasms. Last evaluated: 2021-03-14. Review status: criteria provided, single submitter. Criteria: Invitae Variant Classification Sherloc (09022015). Collection method: clinical testing. Allele origin: germline.

Ambry Genetics
Classification: Likely benign for Hereditary cancer-predisposing syndrome. Last evaluated: 2016-06-23. Review status: criteria provided, single submitter. Criteria: Ambry Variant Classification Scheme 2023. Collection method: clinical testing. Allele origin: germline.